The following is an entry in ClinVar:

ClinVar aggregate classification (germline): Uncertain significance (1 of 4 stars; one submission).

Allele frequency attached by ClinVar (database versions not stated): ExAC 0.00001; gnomAD exomes 0.00001.
gnomAD v4.1: 4 of 1,613,368 alleles (0.00025%); highest among the groups gnomAD compares: Non-Finnish European, 0.00034%; no homozygotes.

Submission:

Labcorp Genetics (formerly Invitae), Labcorp
Classification: Uncertain significance. Last evaluated: 2022-10-05. Review status: criteria provided, single submitter. Criteria: Invitae Variant Classification Sherloc (09022015). Collection method: clinical testing. Allele origin: germline.
Comment: This variant has not been reported in the literature in individuals affected with PITPNM3-related conditions. This variant is present in population databases (rs746511554, gnomAD 0.002%). ClinVar contains an entry for this variant (Variation ID: 1058276). Advanced modeling of protein sequence and biophysical properties (such as structural, functional, and spatial information, amino acid conservation, physicochemical variation, residue mobility, and thermodynamic stability) performed at Invitae indicates that this missense variant is not expected to disrupt PITPNM3 protein function. In summary, the available evidence is currently insufficient to determine the role of this variant in disease. Therefore, it has been classified as a Variant of Uncertain Significance. This sequence change replaces lysine, which is basic and polar, with arginine, which is basic and polar, at codon 293 of the PITPNM3 protein (p.Lys293Arg).

NM_031220.4(PITPNM3):c.878A>G (p.Lys293Arg)

Gene: PITPNM3 (PITPNM family member 3; minus strand). Cytogenetic location: 17p13.2.
Variant type: single nucleotide variant.
Coding change: c.878A>G on transcript NM_031220.4 (MANE Select); coding-DNA position 878, A replaced by G.
Protein change: p.Lys293Arg; replaces lysine 293 with arginine.
Molecular consequence: missense variant.
Genome position (GRCh38, 1-based): chr17:6,477,997, T>C on the plus strand (A>G on the coding strand, the complement: PITPNM3 is on the minus strand). VCF-style: chr17-6477997-T-C. GRCh37 (hg19) VCF-style: chr17-6381317-T-C.
Other names: c.770A>G, p.Lys257Arg (NM_001165966.2); short protein forms K257R, K293R.
Identifiers: ClinVar variation 1058276 (VCV001058276.9), dbSNP rs746511554, ClinGen allele CA8329709.